The following is an entry in ClinVar:

NM_000432.4(MYL2):c.190GAA[1] (p.Glu65del)

Gene: MYL2 (myosin light chain 2; minus strand). Cytogenetic location: 12q24.11.
Variant type: Microsatellite.
Coding change: c.190GAA[1] on transcript NM_000432.4 (MANE Select); one copy of the 3-base unit GAA starting at c.190; the reference has two copies in a row; one copy, 3 bases deleted.
Protein change: p.Glu65del; deletes glutamic acid 65.
Molecular consequence: inframe deletion.
Genome position (GRCh38, 1-based): chr12:110,914,265-110,914,267, TTC deleted on the plus strand (GAA on the coding strand, the reverse complement: MYL2 is on the minus strand); deleting any 3 consecutive bases within chr12:110,914,265-110,914,270 gives the same sequence; the position shown is the placement nearest the transcript's 3' end. VCF-style (leftmost placement, unchanged base first): chr12-110914264-TTTC-T. GRCh37 (hg19) VCF-style: chr12-111352068-TTTC-T.
Other names: c.148GAA[1], p.Glu51del (NM_001406745.1); c.133GAA[1], p.Glu46del (NM_001406916.1); short protein forms E51del, E46del, E65del.
Identifiers: ClinVar variation 4706407 (VCV004706407.1).

ClinVar aggregate classification (germline): Uncertain significance (1 of 4 stars; one submission).

Conditions:
Hypertrophic cardiomyopathy 10. Also called: CARDIOMYOPATHY, HYPERTROPHIC, MID-LEFT VENTRICULAR CHAMBER TYPE, 2; MYL2-Related Familial Hypertrophic Cardiomyopathy. Identifiers: MedGen C1834460, MONDO:0012112, OMIM 608758.

Submission:

Labcorp Genetics (formerly Invitae), Labcorp
Classification: Uncertain significance for Hypertrophic cardiomyopathy 10. Last evaluated: 2025-10-26. Review status: criteria provided, single submitter. Criteria: Invitae Variant Classification Sherloc (09022015). Collection method: clinical testing. Allele origin: germline.
Comment: This variant, c.193_195del, results in the deletion of 1 amino acid(s) of the MYL2 protein (p.Glu65del), but otherwise preserves the integrity of the reading frame. This variant is present in population databases (no rsID available, gnomAD 0.0009%). This variant has not been reported in the literature in individuals affected with MYL2-related conditions. Experimental studies and prediction algorithms are not available or were not evaluated, and the functional significance of this variant is currently unknown. In summary, the available evidence is currently insufficient to determine the role of this variant in disease. Therefore, it has been classified as a Variant of Uncertain Significance.